The following is an entry in ClinVar:

ClinVar aggregate classification (germline): Benign/Likely benign. Review status: criteria provided, multiple submitters, no conflicts (2 of 4 stars). 5 submissions from 5 submitters: Benign (3); Likely benign (2). Last evaluated 2025-07-10.

Conditions:
Hereditary cancer-predisposing syndrome. Also called: Hereditary Cancer Syndrome; Tumor predisposition; Hereditary neoplastic syndrome; Neoplastic Syndromes, Hereditary. Identifiers: Orphanet 140162, MedGen C0027672, MeSH D009386, MONDO:0015356.
Hereditary breast ovarian cancer syndrome. Also called: Hereditary breast and ovarian cancer syndrome (HBOC); Hereditary breast and ovarian cancer; Hereditary breast and ovarian cancer syndrome; Hereditary breast and/or ovarian cancer syndrome; Breast and ovarian cancer; BRCA1- and BRCA2-Associated Hereditary Breast and Ovarian Cancer. Identifiers: Orphanet 145, MedGen C0677776, MeSH D061325, MONDO:0003582. Disease mechanism: loss of function.

Allele frequency attached by ClinVar (database versions not stated): ESP Exome Variant Server 0.02470; gnomAD 0.03920 and 0.04293; gnomAD exomes 0.04267 and 0.07118; TOPMed 0.04652; ExAC 0.06746; 1000 Genomes Project 30x 0.07245; 1000 Genomes Project 0.07428.
gnomAD v4.1: 64,387 of 1,508,190 alleles (4.3%); highest among the groups gnomAD compares: East Asian, 19%; 2,808 homozygotes.

Submissions (5):

GeneKor MSA
Classification: Benign for Hereditary cancer-predisposing syndrome. Last evaluated: 2025-07-10. Review status: criteria provided, single submitter. Criteria: ACMG Guidelines, 2015. Collection method: clinical testing. Allele origin: germline.

Unidad de Genómica Garrahan, Hospital de Pediatría Garrahan
Classification: Benign. Last evaluated: 2024-01-24. Review status: criteria provided, single submitter. Criteria: ACMG Guidelines, 2015. Collection method: clinical testing. Allele origin: germline. Affected: no. Observed: 21 variant alleles.
Comment: This variant is classified as Benign based on local population frequency. This variant was detected in 22% of patients studied by a panel of primary immunodeficiencies. Number of patients: 21. Only high quality variants are reported.

National Health Laboratory Service, Universitas Academic Hospital and University of the Free State
Classification: Likely benign for Hereditary breast ovarian cancer syndrome. Last evaluated: 2022-04-19. Review status: criteria provided, single submitter. Criteria: ACMG Guidelines, 2015. Collection method: clinical testing. Allele origin: germline. Affected: yes. Observed: 10 variant alleles.

GeneDx
Classification: Benign. Last evaluated: 2015-03-03. Review status: criteria provided, single submitter. Criteria: GeneDx Variant Classification Process June 2021. Collection method: clinical testing. Allele origin: germline. Affected: yes.

Breakthrough Genomics
Classification: Likely benign. Review status: criteria provided, single submitter. Criteria: ACMG Guidelines, 2015. Collection method: not provided. Allele origin: germline. Inheritance: Autosomal recessive inheritance. Affected: yes.

NM_002485.5(NBN):c.896+36G>A

Gene: NBN (nibrin; minus strand). Cytogenetic location: 8q21.3.
Variant type: single nucleotide variant.
Coding change: c.896+36G>A on transcript NM_002485.5 (MANE Select); 36 bases into the intron after coding-DNA position 896, G replaced by A.
Molecular consequence: intron variant.
Genome position (GRCh38, 1-based): chr8:89,970,328, C>T on the plus strand (G>A on the coding strand, the complement: NBN is on the minus strand). VCF-style: chr8-89970328-C-T. GRCh37 (hg19) VCF-style: chr8-90982556-C-T.
Other names: c.650+36G>A (NM_001024688.3).
Identifiers: ClinVar variation 1243368 (VCV001243368.7), dbSNP rs1805826, ClinGen allele CA4802867.